The following is an entry in ClinVar:

ClinVar aggregate classification (germline): Benign/Likely benign. Review status: criteria provided, multiple submitters, no conflicts (2 of 4 stars). 4 submissions from 4 submitters: Benign (2); Likely benign (1). 1 of the submissions does not count toward it. Last evaluated 2025-12-18.

Conditions:
MLPH-related disorder. Also called: MLPH-related condition.

Allele frequency attached by ClinVar (database versions not stated): 1000 Genomes Project 0.00060; 1000 Genomes Project 30x 0.00094; gnomAD 0.00132 and 0.00150; TOPMed 0.00155; ESP Exome Variant Server 0.00169.
gnomAD v4.1: 385 of 1,613,892 alleles (0.024%); highest among the groups gnomAD compares: African/African-American, 0.43%; 3 homozygotes.

Submissions (4):

Labcorp Genetics (formerly Invitae), Labcorp
Classification: Benign. Last evaluated: 2025-12-18. Review status: criteria provided, single submitter. Criteria: Invitae Variant Classification Sherloc (09022015). Collection method: clinical testing. Allele origin: germline.

Blueprint Genetics
Classification: Likely benign. Last evaluated: 2024-10-18. Review status: criteria provided, single submitter. Criteria: ACMG Guidelines, 2015. Collection method: clinical testing. Allele origin: germline.

Breakthrough Genomics
Classification: Benign. Review status: criteria provided, single submitter. Criteria: ACMG Guidelines, 2015. Collection method: not provided. Allele origin: germline. Inheritance: Autosomal recessive inheritance. Affected: yes.

PreventionGenetics, part of Exact Sciences
Classification: Likely benign for MLPH-related condition. Last evaluated: 2019-10-28. Review status: no assertion criteria provided. Collection method: clinical testing. Allele origin: germline. Not counted in ClinVar's aggregate classification.
Comment: This variant is classified as likely benign based on ACMG/AMP sequence variant interpretation guidelines (Richards et al. 2015 PMID: 25741868, with internal and published modifications).

NM_024101.7(MLPH):c.372T>C (p.His124=)

Gene: MLPH (melanophilin; plus strand). Cytogenetic location: 2q37.3.
Variant type: single nucleotide variant.
Coding change: c.372T>C on transcript NM_024101.7 (MANE Select); coding-DNA position 372, T replaced by C.
Protein change: p.His124=; no amino-acid change (histidine 124 retained).
Molecular consequence: synonymous variant. On other transcripts: non-coding transcript variant (1).
Genome position (GRCh38, 1-based): chr2:237,511,028, T>C. VCF-style: chr2-237511028-T-C. GRCh37 (hg19) VCF-style: chr2-238419671-T-C.
Other names: c.372T>C, p.His124= (NM_001042467.3, NM_001281473.2, NM_001281474.2).
Identifiers: ClinVar variation 733682 (VCV000733682.10), dbSNP rs143906191, ClinGen allele CA2190179.